The following is an entry in ClinVar:

ClinVar aggregate classification (germline): not provided (0 of 4 stars; one submission).

Submission:

Medical Genetics Unit, Ain Shams University Pediatrics Hospital
No classification provided. Review status: no classification provided. Collection method: not provided. Allele origin: not provided.
Comment: Methylmalonic aciduria

NM_000255.4(MMUT):c.385+30A>C

Gene: MMUT (methylmalonyl-CoA mutase; minus strand). Cytogenetic location: 6p12.3.
Variant type: single nucleotide variant.
Coding change: c.385+30A>C on transcript NM_000255.4 (MANE Select); 30 bases into the intron after coding-DNA position 385, A replaced by C.
Molecular consequence: intron variant.
Genome position (GRCh38, 1-based): chr6:49,459,052, T>G on the plus strand (A>C on the coding strand, the complement: MMUT is on the minus strand). VCF-style: chr6-49459052-T-G. GRCh37 (hg19) VCF-style: chr6-49426765-T-G.
Other names: KC594086.1.
Identifiers: ClinVar variation 100711 (VCV000100711.1), dbSNP rs483352785, ClinGen allele CA235526.